The following is an entry in ClinVar:

ClinVar aggregate classification (germline): Benign (1 of 4 stars; one submission).

Submission:

GeneDx
Classification: Benign. Last evaluated: 2018-06-18. Review status: criteria provided, single submitter. Criteria: GeneDx Variant Classification (06012015). Collection method: clinical testing. Allele origin: germline. Affected: yes.
Comment: This variant is considered likely benign or benign based on one or more of the following criteria: it is a conservative change, it occurs at a poorly conserved position in the protein, it is predicted to be benign by multiple in silico algorithms, and/or has population frequency not consistent with disease.

NM_006939.4(SOS2):c.1197-121_1197-119del

Gene: SOS2 (SOS Ras/Rho guanine nucleotide exchange factor 2; minus strand). Cytogenetic location: 14q21.3.
Variant type: Deletion.
Coding change: c.1197-121_1197-119del on transcript NM_006939.4 (MANE Select); 121 bases into the intron before coding-DNA position 1197 through 119 bases into the intron before coding-DNA position 1197, 3 bases deleted (CTG; older notation c.1197-121_1197-119delCTG).
Molecular consequence: intron variant.
Genome position (GRCh38, 1-based): chr14:50,160,205-50,160,207, CAG deleted on the plus strand (CTG on the coding strand, the reverse complement: SOS2 is on the minus strand); deleting any 3 consecutive bases within chr14:50,160,205-50,160,209 gives the same sequence; the c. name uses the placement nearest the transcript's 3' end. VCF-style (leftmost placement, unchanged base first): chr14-50160204-ACAG-A. GRCh37 (hg19) VCF-style: chr14-50626922-ACAG-A.
Other names: c.1197-121_1197-119delCTG (NM_006939.2).
Identifiers: ClinVar variation 561598 (VCV000561598.1), dbSNP rs60130456, ClinGen allele CA260736413.